The following is an entry in ClinVar:

NM_000218.3(KCNQ1):c.1393+28709C>A

Genes: KCNQ1 (potassium voltage-gated channel subfamily Q member 1; plus strand), KCNQ1OT1 (KCNQ1 opposite strand/antisense transcript 1; minus strand). Cytogenetic location: 11p15.5.
Variant type: single nucleotide variant.
Coding change: c.1393+28709C>A on transcript NM_000218.3 (MANE Select); 28709 bases into the intron after coding-DNA position 1393, C replaced by A.
Molecular consequence: intron variant. On other transcripts: non-coding transcript variant (1).
Genome position (GRCh38, 1-based): chr11:2,617,563, C>A. VCF-style: chr11-2617563-C-A. GRCh37 (hg19) VCF-style: chr11-2638793-C-A.
Other names: c.1123+28709C>A (NM_001406837.1); c.1297+28709C>A (NM_001406836.1); c.853+28709C>A (NM_001406838.1); c.1012+28709C>A (NM_181798.2).
Identifiers: ClinVar variation 4984395 (VCV004984395.1).
Genomic context (GRCh38, chr11:2,617,563, plus strand): 5'-ATATAATGCCACAATGAATATAGGAGCGCAGATATCTTTATGAGGTGGAGATTTCATTTT[C>A]TTTGGGAATATACCTAGAAGAGGGATTAGTGGGTCAGATGATAGTATATTTTCAATTTCT-3'

ClinVar aggregate classification (germline): Likely benign (1 of 4 stars; one submission).

Conditions:
KCNQ1-related disorder. Also called: KCNQ1-related disorders; KCNQ1-related condition. Identifiers: MedGen CN239322.

gnomAD v4.1: 19 of 398,274 alleles (0.0048%); highest among the groups gnomAD compares: Admixed American, 0.0088%; no homozygotes.

Submission:

PreventionGenetics, part of Exact Sciences
Classification: Likely benign for KCNQ1-related condition. Last evaluated: 2024-10-22. Review status: criteria provided, single submitter. Criteria: ACMG Guidelines, 2015. Collection method: clinical testing. Allele origin: germline.
Comment: This variant is classified as likely benign based on ACMG/AMP sequence variant interpretation guidelines (Richards et al. 2015 PMID: 25741868, with internal and published modifications).